The following is an entry in ClinVar:

ClinVar aggregate classification (germline): Benign. Review status: criteria provided, multiple submitters, no conflicts (2 of 4 stars). 3 submissions from 3 submitters: Benign (2). 1 of the submissions does not count toward it. Last evaluated 2025-09-18.

Conditions:
CTU2-related disorder. Also called: CTU2-related condition.

Allele frequency attached by ClinVar (database versions not stated): 1000 Genomes Project 30x 0.00625; ESP Exome Variant Server 0.00432; gnomAD 0.00440; 1000 Genomes Project 0.00479; TOPMed 0.00521.
gnomAD v4.1: 1,429 of 1,612,628 alleles (0.089%); highest among the groups gnomAD compares: African/African-American, 1.7%; 13 homozygotes.

Submissions (3):

Labcorp Genetics (formerly Invitae), Labcorp
Classification: Benign. Last evaluated: 2025-09-18. Review status: criteria provided, single submitter. Criteria: Invitae Variant Classification Sherloc (09022015). Collection method: clinical testing. Allele origin: germline.

Breakthrough Genomics
Classification: Benign. Review status: criteria provided, single submitter. Criteria: ACMG Guidelines, 2015. Collection method: not provided. Allele origin: germline. Inheritance: Autosomal recessive inheritance. Affected: yes.

PreventionGenetics, part of Exact Sciences
Classification: Benign for CTU2-related condition. Last evaluated: 2019-06-06. Review status: no assertion criteria provided. Collection method: clinical testing. Allele origin: germline. Not counted in ClinVar's aggregate classification.
Comment: This variant is classified as benign based on ACMG/AMP sequence variant interpretation guidelines (Richards et al. 2015 PMID: 25741868, with internal and published modifications).

NM_001012759.3(CTU2):c.1357G>A (p.Asp453Asn)

Gene: CTU2 (cytosolic thiouridylase subunit 2; plus strand). Cytogenetic location: 16q24.3.
Variant type: single nucleotide variant.
Coding change: c.1357G>A on transcript NM_001012759.3 (MANE Select); coding-DNA position 1357, G replaced by A.
Protein change: p.Asp453Asn; replaces aspartic acid 453 with asparagine.
Molecular consequence: missense variant.
Genome position (GRCh38, 1-based): chr16:88,714,864, G>A. VCF-style: chr16-88714864-G-A. GRCh37 (hg19) VCF-style: chr16-88781272-G-A.
Other names: c.1357G>A, p.Asp453Asn (NM_001012762.3); c.1570G>A, p.Asp524Asn (NM_001318507.2); c.1096G>A, p.Asp366Asn (NM_001318513.2); short protein forms D453N, D524N, D366N.
Identifiers: ClinVar variation 713607 (VCV000713607.12), dbSNP rs140495759, ClinGen allele CA8231074.
Genomic context (GRCh38, chr16:88,714,864, plus strand): 5'-ACACTGCACGGCATTGAGGTGCCAAGGTGGGCACACAGCCAGCTCTGCTCCCGCAGGGAG[G>A]ACCCCCAAGCCTGCATTGAGGAGCAGCTGTGCTACAGCTGCCGCGTGAACATGAAGGACT-3'
Protein context (NP_001012777.1, residues 443-463): RCGQGACRRE[Asp453Asn]PQACIEEQLC